The following is an entry in ClinVar:

ClinVar aggregate classification (germline): Uncertain significance (1 of 4 stars; one submission).

gnomAD v4.1: 2 of 1,613,200 alleles (0.00012%); highest among the groups gnomAD compares: Non-Finnish European, 0.00017%; no homozygotes.

Submission:

GeneDx
Classification: Uncertain significance. Last evaluated: 2025-01-10. Review status: criteria provided, single submitter. Criteria: GeneDx Variant Classification Process June 2021. Collection method: clinical testing. Allele origin: germline. Affected: yes.
Comment: Not observed at significant frequency in large population cohorts (gnomAD); In silico analysis supports that this missense variant has a deleterious effect on protein structure/function; Has not been previously published as pathogenic or benign to our knowledge

NM_006088.6(TUBB4B):c.710C>T (p.Thr237Ile)

Gene: TUBB4B (tubulin beta 4B class IVb; plus strand). Cytogenetic location: 9q34.3.
Variant type: single nucleotide variant.
Coding change: c.710C>T on transcript NM_006088.6 (MANE Select); coding-DNA position 710, C replaced by T.
Protein change: p.Thr237Ile; replaces threonine 237 with isoleucine.
Molecular consequence: missense variant.
Genome position (GRCh38, 1-based): chr9:137,242,928, C>T. VCF-style: chr9-137242928-C-T. GRCh37 (hg19) VCF-style: chr9-140137380-C-T.
Other names: short protein forms T237I.
Identifiers: ClinVar variation 4057144 (VCV004057144.1).